The following is an entry in ClinVar:

ClinVar aggregate classification (germline): Benign/Likely benign. Review status: criteria provided, multiple submitters, no conflicts (2 of 4 stars). 11 submissions from 11 submitters: Benign (2); Likely benign (7). 2 of the submissions do not count toward it. Last evaluated 2026-04-03.

Conditions:
Ehlers-Danlos syndrome (EDS). Identifiers: Orphanet 98249, MedGen C0013720, MONDO:0020066.
Familial thoracic aortic aneurysm and aortic dissection (TAAD). Also called: Thoracic aortic aneurysms and dissections. Identifiers: Orphanet 91387, MedGen C4707243, MONDO:0019625.
Congenital contractural arachnodactyly (CCA). Also called: BEALS SYNDROME; Arthrogryposis, distal, type 9; Beals-Hecht syndrome. Identifiers: Orphanet 115, MedGen C0220668, MONDO:0007363, OMIM 121050.

Allele frequency attached by ClinVar (database versions not stated): gnomAD exomes 0.00015 and 0.00026; ExAC 0.00028; ESP Exome Variant Server 0.00054; TOPMed 0.00094; gnomAD 0.00098 and 0.00100; 1000 Genomes Project 30x 0.00125; 1000 Genomes Project 0.00140.
gnomAD v4.1: 397 of 1,612,966 alleles (0.025%); highest among the groups gnomAD compares: African/African-American, 0.3%; 1 homozygote.

Submissions (11):

Women's Health and Genetics/Laboratory Corporation of America, LabCorp
Classification: Likely benign. Last evaluated: 2026-04-03. Review status: criteria provided, single submitter. Criteria: LabCorp Variant Classification Summary - May 2015. Collection method: clinical testing. Allele origin: germline.
Comment: Variant summary: FBN2 c.3767A>G (p.Gln1256Arg) results in a conservative amino acid change in the encoded protein sequence. Algorithms developed to predict the effect of missense changes on protein structure and function all suggest that this variant is likely to be tolerated. The variant allele was found at a frequency of 0.00026 in 251310 control chromosomes, predominantly at a frequency of 0.0022 within the African or African-American subpopulation in the gnomAD database. The observed variant frequency within African or African-American control individuals in the gnomAD database exceeds the estimated maximal expected allele frequency for disease-causing variants in FBN2. To our knowledge, no occurrence of c.3767A>G in individuals affected with FBN2-related conditions and no experimental evidence demonstrating its impact on protein function have been reported. ClinVar contains an entry for this variant (Variation ID: 213230). Based on the evidence outlined above, the variant was classified as likely benign.

Labcorp Genetics (formerly Invitae), Labcorp
Classification: Likely benign for Congenital contractural arachnodactyly. Last evaluated: 2026-01-19. Review status: criteria provided, single submitter. Criteria: Invitae Variant Classification Sherloc (09022015). Collection method: clinical testing. Allele origin: germline.

Blueprint Genetics
Classification: Likely benign. Last evaluated: 2024-08-27. Review status: criteria provided, single submitter. Criteria: ACMG Guidelines, 2015. Collection method: clinical testing. Allele origin: germline.

ARUP Laboratories, Molecular Genetics and Genomics, ARUP Laboratories
Classification: Likely benign. Last evaluated: 2023-06-01. Review status: criteria provided, single submitter. Criteria: ARUP Molecular Germline Variant Investigation Process 2024. Collection method: clinical testing. Allele origin: germline.

Genome Diagnostics Laboratory, The Hospital for Sick Children
Classification: Likely benign for Ehlers-Danlos syndrome. Last evaluated: 2019-06-01. Review status: criteria provided, single submitter. Criteria: ACMG Guidelines, 2015. Collection method: clinical testing. Allele origin: germline.

Illumina Laboratory Services, Illumina
Classification: Benign for Congenital contractural arachnodactyly. Last evaluated: 2018-01-13. Review status: criteria provided, single submitter. Criteria: ICSL Variant Classification Criteria 13 December 2019. Collection method: clinical testing. Allele origin: germline.
Comment: This variant was observed in the ICSL laboratory as part of a predisposition screen in an ostensibly healthy population. It had not been previously curated by ICSL or reported in the Human Gene Mutation Database (HGMD: prior to June 1st, 2018), and was therefore a candidate for classification through an automated scoring system. Utilizing variant allele frequency, disease prevalence and penetrance estimates, and inheritance mode, an automated score was calculated to assess if this variant is too frequent to cause the disease. Based on the score and internal cut-off values, a variant classified as benign is not then subjected to further curation. The score for this variant resulted in a classification of benign for this disease.

GeneDx
Classification: Likely benign. Last evaluated: 2017-08-09. Review status: criteria provided, single submitter. Criteria: GeneDx Variant Classification (06012015). Collection method: clinical testing. Allele origin: germline. Affected: yes.
Comment: This variant is considered likely benign or benign based on one or more of the following criteria: it is a conservative change, it occurs at a poorly conserved position in the protein, it is predicted to be benign by multiple in silico algorithms, and/or has population frequency not consistent with disease.

Ambry Genetics
Classification: Benign for Familial thoracic aortic aneurysm and aortic dissection. Last evaluated: 2015-03-02. Review status: criteria provided, single submitter. Criteria: Ambry Variant Classification Scheme 2023. Collection method: clinical testing. Allele origin: germline.

Breakthrough Genomics
Classification: Likely benign. Review status: criteria provided, single submitter. Criteria: ACMG Guidelines, 2015. Collection method: not provided. Allele origin: germline. Inheritance: Autosomal dominant inheritance. Affected: yes.

Clinical Genetics DNA and cytogenetics Diagnostics Lab, Erasmus MC, Erasmus Medical Center
Classification: Likely benign. Review status: no assertion criteria provided. Collection method: clinical testing. Allele origin: germline. Affected: yes. Study: VKGL Data-share Consensus. Not counted in ClinVar's aggregate classification.

Laboratory of Diagnostic Genome Analysis, Leiden University Medical Center (LUMC)
Classification: Likely benign. Review status: no assertion criteria provided. Collection method: clinical testing. Allele origin: germline. Affected: yes. Study: VKGL Data-share Consensus. Not counted in ClinVar's aggregate classification.

NM_001999.4(FBN2):c.3767A>G (p.Gln1256Arg)

Gene: FBN2 (fibrillin 2; minus strand). Cytogenetic location: 5q23.3.
Variant type: single nucleotide variant.
Coding change: c.3767A>G on transcript NM_001999.4 (MANE Select); coding-DNA position 3767, A replaced by G.
Protein change: p.Gln1256Arg; replaces glutamine 1256 with arginine.
Molecular consequence: missense variant.
Genome position (GRCh38, 1-based): chr5:128,335,535, T>C on the plus strand (A>G on the coding strand, the complement: FBN2 is on the minus strand). VCF-style: chr5-128335535-T-C. GRCh37 (hg19) VCF-style: chr5-127671227-T-C.
Other names: short protein forms Q1256R.
Identifiers: ClinVar variation 213230 (VCV000213230.34), dbSNP rs139052603, ClinGen allele CA320664.